The following is an entry in ClinVar:

NM_000553.6(WRN):c.3315C>G (p.Asn1105Lys)

Gene: WRN (WRN RecQ like helicase; plus strand). Cytogenetic location: 8p12.
Variant type: single nucleotide variant.
Coding change: c.3315C>G on transcript NM_000553.6 (MANE Select); coding-DNA position 3315, C replaced by G.
Protein change: p.Asn1105Lys; replaces asparagine 1105 with lysine.
Molecular consequence: missense variant.
Genome position (GRCh38, 1-based): chr8:31,143,555, C>G. VCF-style: chr8-31143555-C-G. GRCh37 (hg19) VCF-style: chr8-31001071-C-G.
Other names: short protein forms N1105K.
Identifiers: ClinVar variation 2100372 (VCV002100372.4), dbSNP rs2536035602, ClinGen allele CA370923974.

ClinVar aggregate classification (germline): Uncertain significance (1 of 4 stars; one submission).

Conditions:
Werner syndrome (WRN). Identifiers: Orphanet 902, MedGen C0043119, MONDO:0010196, OMIM 277700.

Submission:

Labcorp Genetics (formerly Invitae), Labcorp
Classification: Uncertain significance for Werner syndrome. Last evaluated: 2022-02-20. Review status: criteria provided, single submitter. Criteria: Invitae Variant Classification Sherloc (09022015). Collection method: clinical testing. Allele origin: germline.
Comment: This sequence change replaces asparagine, which is neutral and polar, with lysine, which is basic and polar, at codon 1105 of the WRN protein (p.Asn1105Lys). This variant is not present in population databases (gnomAD no frequency). This variant has not been reported in the literature in individuals affected with WRN-related conditions. Algorithms developed to predict the effect of missense changes on protein structure and function output the following: SIFT: "Not Available"; PolyPhen-2: "Benign"; Align-GVGD: "Not Available". The lysine amino acid residue is found in multiple mammalian species, which suggests that this missense change does not adversely affect protein function. Algorithms developed to predict the effect of sequence changes on RNA splicing suggest that this variant may disrupt the consensus splice site. In summary, the available evidence is currently insufficient to determine the role of this variant in disease. Therefore, it has been classified as a Variant of Uncertain Significance.